The following is an entry in ClinVar:

NM_006946.4(SPTBN2):c.5827G>A (p.Asp1943Asn)

Gene: SPTBN2 (spectrin beta, non-erythrocytic 2; minus strand). Cytogenetic location: 11q13.2.
Variant type: single nucleotide variant.
Coding change: c.5827G>A on transcript NM_006946.4 (MANE Select); coding-DNA position 5827, G replaced by A.
Protein change: p.Asp1943Asn; replaces aspartic acid 1943 with asparagine.
Molecular consequence: missense variant.
Genome position (GRCh38, 1-based): chr11:66,689,927, C>T on the plus strand (G>A on the coding strand, the complement: SPTBN2 is on the minus strand). VCF-style: chr11-66689927-C-T. GRCh37 (hg19) VCF-style: chr11-66457398-C-T.
Other names: c.5848G>A, p.Asp1950Asn (NM_001411025.1); short protein forms D1943N, D1950N.
Identifiers: ClinVar variation 1933899 (VCV001933899.5), dbSNP rs1940419198, ClinGen allele CA381463477.

ClinVar aggregate classification (germline): Uncertain significance (1 of 4 stars; one submission).

Allele frequency attached by ClinVar (database versions not stated): gnomAD exomes 0.00001.
gnomAD v4.1: 12 of 1,614,116 alleles (0.00074%); highest among the groups gnomAD compares: South Asian, 0.0011%; no homozygotes.

Submission:

Labcorp Genetics (formerly Invitae), Labcorp
Classification: Uncertain significance. Last evaluated: 2022-04-13. Review status: criteria provided, single submitter. Criteria: Invitae Variant Classification Sherloc (09022015). Collection method: clinical testing. Allele origin: germline.
Comment: This sequence change replaces aspartic acid, which is acidic and polar, with asparagine, which is neutral and polar, at codon 1943 of the SPTBN2 protein (p.Asp1943Asn). This variant is not present in population databases (gnomAD no frequency). In summary, the available evidence is currently insufficient to determine the role of this variant in disease. Therefore, it has been classified as a Variant of Uncertain Significance. Advanced modeling of protein sequence and biophysical properties (such as structural, functional, and spatial information, amino acid conservation, physicochemical variation, residue mobility, and thermodynamic stability) performed at Invitae indicates that this missense variant is not expected to disrupt SPTBN2 protein function. This variant has not been reported in the literature in individuals affected with SPTBN2-related conditions.